The following is an entry in ClinVar:

NM_001244008.2(KIF1A):c.1657C>T (p.Arg553Trp)

Gene: KIF1A (kinesin family member 1A; minus strand). Cytogenetic location: 2q37.3.
Variant type: single nucleotide variant.
Coding change: c.1657C>T on transcript NM_001244008.2 (MANE Select); coding-DNA position 1657, C replaced by T.
Protein change: p.Arg553Trp; replaces arginine 553 with tryptophan.
Molecular consequence: missense variant.
Genome position (GRCh38, 1-based): chr2:240,766,942, G>A on the plus strand (C>T on the coding strand, the complement: KIF1A is on the minus strand). VCF-style: chr2-240766942-G-A. GRCh37 (hg19) VCF-style: chr2-241706359-G-A.
Other names: c.1657C>T, p.Arg553Trp (NM_001320705.2, NM_001330289.2, NM_001379638.1); c.1732C>T, p.Arg578Trp (NM_001330290.2, NM_001379631.1, NM_001379634.1 and 2 more transcripts); c.1630C>T, p.Arg544Trp (NM_001379632.1, NM_001379633.1, NM_001379636.1 and 10 more transcripts); c.1705C>T, p.Arg569Trp (NM_001379637.1, NM_001379648.1); short protein forms R553W, R569W, R578W, R544W.
Identifiers: ClinVar variation 1496486 (VCV001496486.11), dbSNP rs369141291, ClinGen allele CA2208323.
Genomic context (GRCh38, chr2:240,766,942, plus strand): 5'-TGGGTGCGGGTAGGGACGGTAGGGTGGTGATACCTTCGCTGCCTCCCCTGGAGTCGCTCC[G>A]GAAGACGCAGTGCTCCTCCTTGATGAAGTGCCCACTCAGAACAATGTCCTGCCGCCTCTC-3'
Protein context (NP_001230937.1, residues 543-563): HFIKEEHCVF[Arg553Trp]SDSRGGSEAV

ClinVar aggregate classification (germline): Uncertain significance (1 of 4 stars; one submission).

Conditions:
Hereditary spastic paraplegia 30. Identifiers: Orphanet 101010, MedGen C5235139, MONDO:0012476.
Neuropathy, hereditary sensory, type 2C. Also called: KIF1A-Related HSAN2 (HSAN2C); Hereditary sensory and autonomic neuropathy type IIC. Identifiers: Orphanet 970, MedGen C3280168, MONDO:0013634, OMIM 614213.
Intellectual disability, autosomal dominant 9 (NESCAVS). Also called: KIF1A-Related Neurodevelopmental Disorder; NESCAV SYNDROME. Identifiers: Orphanet 662367, MedGen C5393830, MONDO:0013656, OMIM 614255.

Allele frequency attached by ClinVar (database versions not stated): gnomAD exomes 0.00001 and 0.00002; ExAC 0.00002; TOPMed 0.00002; gnomAD 0.00003 and 0.00004; ESP Exome Variant Server 0.00016; 1000 Genomes Project 30x 0.00031.
gnomAD v4.1: 34 of 1,611,454 alleles (0.0021%); highest among the groups gnomAD compares: East Asian, 0.0067%; no homozygotes.

Submission:

Labcorp Genetics (formerly Invitae), Labcorp
Classification: Uncertain significance for Hereditary spastic paraplegia 30; Neuropathy, hereditary sensory, type 2C; Intellectual disability, autosomal dominant 9. Last evaluated: 2026-01-27. Review status: criteria provided, single submitter. Criteria: Invitae Variant Classification Sherloc (09022015). Collection method: clinical testing. Allele origin: germline.
Comment: This sequence change replaces arginine, which is basic and polar, with tryptophan, which is neutral and slightly polar, at codon 544 of the KIF1A protein (p.Arg544Trp). This variant is present in population databases (rs369141291, gnomAD 0.003%). This variant has not been reported in the literature in individuals affected with KIF1A-related conditions. ClinVar contains an entry for this variant (Variation ID: 1496486). Invitae Evidence Modeling of protein sequence and biophysical properties (such as structural, functional, and spatial information, amino acid conservation, physicochemical variation, residue mobility, and thermodynamic stability) indicates that this missense variant is expected to disrupt KIF1A protein function with a positive predictive value of 95%. In summary, the available evidence is currently insufficient to determine the role of this variant in disease. Therefore, it has been classified as a Variant of Uncertain Significance.